The following is an entry in ClinVar:

ClinVar aggregate classification (germline): Conflicting classifications of pathogenicity. Review status: criteria provided, conflicting classifications (1 of 4 stars). 4 submissions from 4 submitters: Uncertain significance (2); Likely benign (1). 1 of the submissions does not count toward it. Last evaluated 2026-01-31.

Conditions:
Bardet-Biedl syndrome (BBS). Identifiers: Orphanet 110, MedGen C0752166, MONDO:0015229.
TTC8-related disorder. Also called: TTC8-related condition.

Allele frequency attached by ClinVar (database versions not stated): gnomAD exomes 0.00004 and 0.00019; ExAC 0.00025; 1000 Genomes Project 0.00060; 1000 Genomes Project 30x 0.00062; gnomAD 0.00068 and 0.00071; TOPMed 0.00073; ESP Exome Variant Server 0.00138.
gnomAD v4.1: 164 of 1,613,782 alleles (0.01%); highest among the groups gnomAD compares: African/African-American, 0.2%; no homozygotes.

Submissions (4):

Labcorp Genetics (formerly Invitae), Labcorp
Classification: Likely benign for Bardet-Biedl syndrome. Last evaluated: 2026-01-31. Review status: criteria provided, single submitter. Criteria: Invitae Variant Classification Sherloc (09022015). Collection method: clinical testing. Allele origin: germline.

Blueprint Genetics
Classification: Uncertain significance. Last evaluated: 2024-07-30. Review status: criteria provided, single submitter. Criteria: ACMG Guidelines, 2015. Collection method: clinical testing. Allele origin: germline.

Eurofins Ntd Llc (ga)
Classification: Uncertain significance. Last evaluated: 2018-03-27. Review status: criteria provided, single submitter. Criteria: EGL ClinVar v180209 classification definitions. Collection method: clinical testing. Allele origin: germline. Observed: 1 variant allele, 1 heterozygote.

PreventionGenetics, part of Exact Sciences
Classification: Likely benign for TTC8-related condition. Last evaluated: 2020-10-12. Review status: no assertion criteria provided. Collection method: clinical testing. Allele origin: germline. Not counted in ClinVar's aggregate classification.
Comment: This variant is classified as likely benign based on ACMG/AMP sequence variant interpretation guidelines (Richards et al. 2015 PMID: 25741868, with internal and published modifications).

NM_144596.4(TTC8):c.1231G>A (p.Gly411Arg)

Gene: TTC8 (tetratricopeptide repeat domain 8; plus strand). Cytogenetic location: 14q31.3.
Variant type: single nucleotide variant.
Coding change: c.1231G>A on transcript NM_144596.4 (MANE Select); coding-DNA position 1231, G replaced by A.
Protein change: p.Gly411Arg; replaces glycine 411 with arginine.
Molecular consequence: missense variant. On other transcripts: non-coding transcript variant (1).
Genome position (GRCh38, 1-based): chr14:88,872,336, G>A. VCF-style: chr14-88872336-G-A. GRCh37 (hg19) VCF-style: chr14-89338680-G-A.
Other names: c.1279G>A, p.Gly427Arg (NM_001288781.1); c.637G>A, p.Gly213Arg (NM_001288782.1); c.514G>A, p.Gly172Arg (NM_001288783.1); c.1201G>A, p.Gly401Arg (NM_001366535.2, NM_198309.3); c.1111G>A, p.Gly371Arg (NM_001366536.2, NM_198310.3); c.1231G>A (NM_144596.3); short protein forms G411R, G401R, G172R, G371R, G427R, G213R.
Identifiers: ClinVar variation 596386 (VCV000596386.16), dbSNP rs139773124, ClinGen allele CA7302694.